The following is an entry in ClinVar:

ClinVar aggregate classification (germline): Likely benign (0 of 4 stars; one submission).

Conditions:
MAP1B-related disorder. Also called: MAP1B-related condition.

Allele frequency attached by ClinVar (database versions not stated): gnomAD 0.00003; gnomAD exomes 0.00006; ExAC 0.00016.
gnomAD v4.1: 91 of 1,614,084 alleles (0.0056%); highest among the groups gnomAD compares: South Asian, 0.094%; no homozygotes.

Submission:

PreventionGenetics, part of Exact Sciences
Classification: Likely benign for MAP1B-related condition. Last evaluated: 2023-10-24. Review status: no assertion criteria provided. Collection method: clinical testing. Allele origin: germline.
Comment: This variant is classified as likely benign based on ACMG/AMP sequence variant interpretation guidelines (Richards et al. 2015 PMID: 25741868, with internal and published modifications).

NM_005909.5(MAP1B):c.633T>G (p.Asn211Lys)

Gene: MAP1B (microtubule associated protein 1B; plus strand). Cytogenetic location: 5q13.2.
Variant type: single nucleotide variant.
Coding change: c.633T>G on transcript NM_005909.5 (MANE Select); coding-DNA position 633, T replaced by G.
Protein change: p.Asn211Lys; replaces asparagine 211 with lysine.
Molecular consequence: missense variant.
Genome position (GRCh38, 1-based): chr5:72,193,988, T>G. VCF-style: chr5-72193988-T-G. GRCh37 (hg19) VCF-style: chr5-71489815-T-G.
Other names: c.255T>G, p.Asn85Lys (NM_001324255.2); short protein forms N211K, N85K.
Identifiers: ClinVar variation 3061502 (VCV003061502.2), dbSNP rs748172679, ClinGen allele CA3298566.